The following is an entry in ClinVar:

NM_057088.3(KRT3):c.866+7G>C

Gene: KRT3 (keratin 3; minus strand). Cytogenetic location: 12q13.13.
Variant type: single nucleotide variant.
Coding change: c.866+7G>C on transcript NM_057088.3 (MANE Select); 7 bases into the intron after coding-DNA position 866, G replaced by C.
Molecular consequence: intron variant.
Genome position (GRCh38, 1-based): chr12:52,794,104, C>G on the plus strand (G>C on the coding strand, the complement: KRT3 is on the minus strand). VCF-style: chr12-52794104-C-G. GRCh37 (hg19) VCF-style: chr12-53187888-C-G.
Identifiers: ClinVar variation 3032771 (VCV003032771.2), dbSNP rs368758985, ClinGen allele CA6588122.

ClinVar aggregate classification (germline): Likely benign (0 of 4 stars; one submission).

Conditions:
KRT3-related disorder. Also called: KRT3-related condition.

Allele frequency attached by ClinVar (database versions not stated): gnomAD exomes 0.00003; ExAC 0.00004; gnomAD 0.00004; TOPMed 0.00006; ESP Exome Variant Server 0.00015.
gnomAD v4.1: 50 of 1,610,108 alleles (0.0031%); highest among the groups gnomAD compares: Middle Eastern, 0.033%; no homozygotes.

Submission:

PreventionGenetics, part of Exact Sciences
Classification: Likely benign for KRT3-related condition. Last evaluated: 2020-12-23. Review status: no assertion criteria provided. Collection method: clinical testing. Allele origin: germline.
Comment: This variant is classified as likely benign based on ACMG/AMP sequence variant interpretation guidelines (Richards et al. 2015 PMID: 25741868, with internal and published modifications).